The following is an entry in ClinVar:

ClinVar aggregate classification (germline): Likely benign. Review status: criteria provided, multiple submitters, no conflicts (2 of 4 stars). 3 submissions from 3 submitters: Likely benign (2). 1 of the submissions does not count toward it. Last evaluated 2025-09-29.

Conditions:
ABCG8-related disorder. Also called: ABCG8-related condition.
Cardiovascular phenotype. Identifiers: MedGen CN230736.

Allele frequency attached by ClinVar (database versions not stated): gnomAD 0.00002 and 0.00003; TOPMed 0.00002; gnomAD exomes 0.00003; ExAC 0.00004; ESP Exome Variant Server 0.00008; 1000 Genomes Project 30x 0.00016; 1000 Genomes Project 0.00020.
gnomAD v4.1: 50 of 1,613,874 alleles (0.0031%); highest among the groups gnomAD compares: South Asian, 0.015%; no homozygotes.

Submissions (3):

Labcorp Genetics (formerly Invitae), Labcorp
Classification: Likely benign. Last evaluated: 2025-09-29. Review status: criteria provided, single submitter. Criteria: Invitae Variant Classification Sherloc (09022015). Collection method: clinical testing. Allele origin: germline.

Ambry Genetics
Classification: Likely benign for Cardiovascular phenotype. Last evaluated: 2020-12-05. Review status: criteria provided, single submitter. Criteria: Ambry Variant Classification Scheme 2023. Collection method: clinical testing. Allele origin: germline.

PreventionGenetics, part of Exact Sciences
Classification: Likely benign for ABCG8-related condition. Last evaluated: 2020-11-11. Review status: no assertion criteria provided. Collection method: clinical testing. Allele origin: germline. Not counted in ClinVar's aggregate classification.
Comment: This variant is classified as likely benign based on ACMG/AMP sequence variant interpretation guidelines (Richards et al. 2015 PMID: 25741868, with internal and published modifications).

NM_022437.3(ABCG8):c.1452C>T (p.Asp484=)

Gene: ABCG8 (ATP binding cassette subfamily G member 8; plus strand). Cytogenetic location: 2p21.
Variant type: single nucleotide variant.
Coding change: c.1452C>T on transcript NM_022437.3 (MANE Select); coding-DNA position 1452, C replaced by T.
Protein change: p.Asp484=; no amino-acid change (aspartic acid 484 retained).
Molecular consequence: synonymous variant.
Genome position (GRCh38, 1-based): chr2:43,874,447, C>T. VCF-style: chr2-43874447-C-T. GRCh37 (hg19) VCF-style: chr2-44101586-C-T.
Other names: c.1449C>T, p.Asp483= (NM_001357321.2).
Identifiers: ClinVar variation 1097045 (VCV001097045.13), dbSNP rs185116698, ClinGen allele CA1637460.